The following is an entry in ClinVar:

NM_015295.3(SMCHD1):c.169C>T (p.Arg57Cys)

Gene: SMCHD1 (structural maintenance of chromosomes flexible hinge domain containing 1; plus strand). Cytogenetic location: 18p11.32.
Variant type: single nucleotide variant.
Coding change: c.169C>T on transcript NM_015295.3 (MANE Select); coding-DNA position 169, C replaced by T.
Protein change: p.Arg57Cys; replaces arginine 57 with cysteine.
Molecular consequence: missense variant.
Genome position (GRCh38, 1-based): chr18:2,656,244, C>T. VCF-style: chr18-2656244-C-T. GRCh37 (hg19) VCF-style: chr18-2656243-C-T.
Other names: short protein forms R57C.
Identifiers: ClinVar variation 2720134 (VCV002720134.3), dbSNP rs2510079621, ClinGen allele CA401685315.
Genomic context (GRCh38, chr18:2,656,244, plus strand): 5'-GAGTCCGAGCTCGGGGACCGGCCTCTGCAGGTCGGGGAGCGCTCGGACTACGCGGGATTT[C>T]GCGCGTGTGTGTGTCAGGTACGCGAAGGGGCGAGGAAGGGATGCGCGTGTAGACTTGGGG-3'
Protein context (NP_056110.2, residues 47-67): VGERSDYAGF[Arg57Cys]ACVCQTLGIS

ClinVar aggregate classification (germline): Uncertain significance (1 of 4 stars; one submission).

Conditions:
Facioscapulohumeral muscular dystrophy 2 (FSHD2). Also called: FACIOSCAPULOHUMERAL MUSCULAR DYSTROPHY 2, DIGENIC; FSHD2, DIGENIC; MUSCULAR DYSTROPHY, FACIOSCAPULOHUMERAL, TYPE 1B. Identifiers: Orphanet 269, MedGen C1834671, MONDO:0008031, OMIM 158901.

Allele frequency attached by ClinVar (database versions not stated): gnomAD exomes below 0.00001.

Submission:

Labcorp Genetics (formerly Invitae), Labcorp
Classification: Uncertain significance for Facioscapulohumeral muscular dystrophy 2. Last evaluated: 2023-06-20. Review status: criteria provided, single submitter. Criteria: Invitae Variant Classification Sherloc (09022015). Collection method: clinical testing. Allele origin: germline.
Comment: This sequence change replaces arginine, which is basic and polar, with cysteine, which is neutral and slightly polar, at codon 57 of the SMCHD1 protein (p.Arg57Cys). This variant is not present in population databases (gnomAD no frequency). This variant has not been reported in the literature in individuals affected with SMCHD1-related conditions. An algorithm developed to predict the effect of missense changes on protein structure and function (PolyPhen-2) suggests that this variant is likely to be disruptive. In summary, the available evidence is currently insufficient to determine the role of this variant in disease. Therefore, it has been classified as a Variant of Uncertain Significance.